The following is an entry in ClinVar:

ClinVar aggregate classification (germline): Uncertain significance (1 of 4 stars; one submission).

Submission:

Labcorp Genetics (formerly Invitae), Labcorp
Classification: Uncertain significance. Last evaluated: 2025-05-05. Review status: criteria provided, single submitter. Criteria: Invitae Variant Classification Sherloc (09022015). Collection method: clinical testing. Allele origin: germline.
Comment: This sequence change replaces isoleucine, which is neutral and non-polar, with asparagine, which is neutral and polar, at codon 152 of the RINT1 protein (p.Ile152Asn). This variant is not present in population databases (gnomAD no frequency). This variant has not been reported in the literature in individuals affected with RINT1-related conditions. ClinVar contains an entry for this variant (Variation ID: 2756042). An algorithm developed to predict the effect of missense changes on protein structure and function (PolyPhen-2) suggests that this variant is likely to be disruptive. In summary, the available evidence is currently insufficient to determine the role of this variant in disease. Therefore, it has been classified as a Variant of Uncertain Significance.

NM_021930.6(RINT1):c.455T>A (p.Ile152Asn)

Gene: RINT1 (RAD50 interactor 1; plus strand). Cytogenetic location: 7q22.3.
Variant type: single nucleotide variant.
Coding change: c.455T>A on transcript NM_021930.6 (MANE Select); coding-DNA position 455, T replaced by A.
Protein change: p.Ile152Asn; replaces isoleucine 152 with asparagine.
Molecular consequence: missense variant. On other transcripts: 5 prime UTR variant (3), non-coding transcript variant (1).
Genome position (GRCh38, 1-based): chr7:105,542,589, T>A. VCF-style: chr7-105542589-T-A. GRCh37 (hg19) VCF-style: chr7-105183036-T-A.
Other names: c.221T>A, p.Ile74Asn (NM_001346599.2); c.-565T>A (NM_001346600.2); c.-468T>A (NM_001346601.2); c.-88T>A (NM_001346603.2); short protein forms I152N, I74N.
Identifiers: ClinVar variation 2756042 (VCV002756042.3), dbSNP rs1258669957, ClinGen allele CA368803751.